The following is an entry in ClinVar:

NM_001042492.3(NF1):c.2002-9G>A

Gene: NF1 (neurofibromin 1; plus strand). Cytogenetic location: 17q11.2.
Variant type: single nucleotide variant.
Coding change: c.2002-9G>A on transcript NM_001042492.3 (MANE Select); 9 bases into the intron before coding-DNA position 2002, G replaced by A.
Molecular consequence: intron variant.
Genome position (GRCh38, 1-based): chr17:31,226,426, G>A. VCF-style: chr17-31226426-G-A. GRCh37 (hg19) VCF-style: chr17-29553444-G-A.
Other names: c.2002-9G>A (NM_000267.4).
Identifiers: ClinVar variation 3667381 (VCV003667381.3).

ClinVar aggregate classification (germline): Likely benign. Review status: criteria provided, multiple submitters, no conflicts (2 of 4 stars). 2 submissions from 2 submitters: Likely benign (2). Last evaluated 2026-05-12.

Conditions:
Neurofibromatosis, type 1 (NF1). Also called: Neurofibromatosis, type I; NEUROFIBROMATOSIS, TYPE I, SOMATIC; Peripheral type neurofibromatosis; VON RECKLINGHAUSEN DISEASE. Identifiers: Orphanet 636, MedGen C0027831, MONDO:0018975, OMIM 162200. Disease mechanism: loss of function.

gnomAD v4.1: 5 of 1,611,406 alleles (0.00031%); highest among the groups gnomAD compares: Non-Finnish European, 0.00042%; no homozygotes.

Submissions (2):

Myriad Genetics, Inc.
Classification: Likely benign for Neurofibromatosis, type 1. Last evaluated: 2026-05-12. Review status: criteria provided, single submitter. Criteria: Myriad Autosomal Dominant, Autosomal Recessive and X-Linked Classification Criteria (2023). Collection method: clinical testing. Allele origin: unknown.
Comment: This variant is considered likely benign. This variant is intronic and is not expected to impact mRNA splicing.

Labcorp Genetics (formerly Invitae), Labcorp
Classification: Likely benign for Neurofibromatosis, type 1. Last evaluated: 2024-10-09. Review status: criteria provided, single submitter. Criteria: Invitae Variant Classification Sherloc (09022015). Collection method: clinical testing. Allele origin: germline.